The following is an entry in ClinVar:

NM_198129.4(LAMA3):c.9858del (p.Asn3287fs)

Gene: LAMA3 (laminin subunit alpha 3; plus strand). Cytogenetic location: 18q11.2.
Variant type: Deletion.
Coding change: c.9858del on transcript NM_198129.4 (MANE Select); coding-DNA position 9858, one base deleted (C; older notation c.9858delC).
Protein change: p.Asn3287fs; shifts the reading frame from asparagine 3287.
Molecular consequence: frameshift variant.
Genome position (GRCh38, 1-based): chr18:23,954,504, C deleted; the last of 2 consecutive C bases (chr18:23,954,503-23,954,504); deleting either gives the same sequence. VCF-style (leftmost placement, unchanged base first): chr18-23954502-GC-G. GRCh37 (hg19) VCF-style: chr18-21534466-GC-G.
Other names: c.5031del, p.Asn1678fs (NM_000227.6); c.9690del, p.Asn3231fs (NM_001127717.4); c.4863del, p.Asn1622fs (NM_001127718.4); short protein forms N1622fs, N1678fs, N3231fs, N3287fs.
Identifiers: ClinVar variation 4081715 (VCV004081715.1).

ClinVar aggregate classification (germline): Pathogenic (1 of 4 stars; one submission).

Conditions:
Junctional epidermolysis bullosa. Identifiers: Orphanet 305, MedGen C0079301, MONDO:0017612.

Submission:

Myriad Genetics, Inc.
Classification: Pathogenic for Junctional epidermolysis bullosa. Last evaluated: 2025-03-05. Review status: criteria provided, single submitter. Criteria: Myriad Autosomal Dominant, Autosomal Recessive and X-Linked Classification Criteria (2023). Collection method: clinical testing. Allele origin: unknown.
Comment: NM_000227.3(LAMA3):c.5031delC(N1678Ifs*2) is a frameshift variant classified as pathogenic in the context of junctional epidermolysis bullosa, LAMA3-related. N1678Ifs*2 has not been observed in cases with relevant disease. Relevant functional assessments of this variant are not available in the literature. N1678Ifs*2 has not been observed in referenced population frequency databases. In summary, NM_000227.3(LAMA3):c.5031delC(N1678Ifs*2) is a frameshift variant in a gene where loss of function is a known mechanism of disease and is predicted to disrupt protein function. Please note: this variant was assessed in the context of healthy population screening.